The following is an entry in ClinVar:

NM_003072.5(SMARCA4):c.3912G>C (p.Gln1304His)

Gene: SMARCA4 (SWI/SNF related BAF chromatin remodeling complex subunit ATPase 4; plus strand). Cytogenetic location: 19p13.2.
Variant type: single nucleotide variant.
Coding change: c.3912G>C on transcript NM_003072.5 (MANE Select); coding-DNA position 3912, G replaced by C.
Protein change: p.Gln1304His; replaces glutamine 1304 with histidine.
Molecular consequence: missense variant. On other transcripts: non-coding transcript variant (1).
Genome position (GRCh38, 1-based): chr19:11,034,161, G>C. VCF-style: chr19-11034161-G-C. GRCh37 (hg19) VCF-style: chr19-11144837-G-C.
Other names: c.3912G>C, p.Gln1304His (NM_001128844.3, NM_001128849.3, NM_001387283.1); c.3813G>C, p.Gln1271His (NM_001128845.2, NM_001128846.2, NM_001128847.4 and 3 more transcripts); short protein forms Q1304H, Q1271H.
Identifiers: ClinVar variation 1736126 (VCV001736126.3), dbSNP rs1243671299, ClinGen allele CA404067871.
Genomic context (GRCh38, chr19:11,034,161, plus strand): 5'-CTGACAGTTTGCAATCTTATAGGAGGAAGACGAGGTGCCCGACGACGAGACCGTCAACCA[G>C]ATGATCGCCCGGCACGAGGAGGAGTTTGATCTGTTCATGGTAAGCGCTGCAGGCTGGATG-3'
Protein context (NP_003063.2, residues 1294-1314): DEVPDDETVN[Gln1304His]MIARHEEEFD

ClinVar aggregate classification (germline): Uncertain significance (1 of 4 stars; one submission).

Conditions:
Hereditary cancer-predisposing syndrome. Also called: Neoplastic Syndromes, Hereditary; Tumor predisposition; Hereditary Cancer Syndrome; Hereditary neoplastic syndrome. Identifiers: Orphanet 140162, MedGen C0027672, MeSH D009386, MONDO:0015356.

Submission:

Ambry Genetics
Classification: Uncertain significance for Hereditary cancer-predisposing syndrome. Last evaluated: 2025-08-22. Review status: criteria provided, single submitter. Criteria: Ambry Variant Classification Scheme 2023. Collection method: clinical testing. Allele origin: germline.
Comment: The p.Q1304H variant (also known as c.3912G>C), located in coding exon 27 of the SMARCA4 gene, results from a G to C substitution at nucleotide position 3912. The glutamine at codon 1304 is replaced by histidine, an amino acid with highly similar properties. This amino acid position is highly conserved in available vertebrate species. In addition, this alteration is predicted to be deleterious by in silico analysis. Based on the available evidence, the clinical significance of this variant remains unclear.